The following is an entry in ClinVar:

ClinVar aggregate classification (germline): Conflicting classifications of pathogenicity. Review status: criteria provided, conflicting classifications (1 of 4 stars). 2 submissions from 2 submitters: Uncertain significance (1); Likely benign (1). Last evaluated 2025-12-20.

Conditions:
Epidermolysis bullosa simplex 5B, with muscular dystrophy (EBS5B). Also called: Epidermolysis bullosa simplex with muscular dystrophy; EPIDERMOLYSIS BULLOSA SIMPLEX AND LIMB-GIRDLE MUSCULAR DYSTROPHY. Identifiers: Orphanet 257, MedGen C2931072, MONDO:0009181, OMIM 226670.
Autosomal recessive limb-girdle muscular dystrophy type 2Q (LGMDR17). Also called: MUSCULAR DYSTROPHY, LIMB-GIRDLE, AUTOSOMAL RECESSIVE 17. Identifiers: Orphanet 254361, MedGen C3150989, MONDO:0013390, OMIM 613723.
Epidermolysis bullosa simplex, Ogna type (EBS5A). Also called: Pidermolysis bullosa simplex 5A, Ogna type; EPIDERMOLYSIS BULLOSA SIMPLEX 5A, OGNA TYPE. Identifiers: Orphanet 79401, MedGen C0432317, MONDO:0007555, OMIM 131950.
Epidermolysis bullosa simplex 5C, with pyloric atresia (EBS5C). Also called: Epidermolysis bullosa simplex with pyloric atresia; PLEC-Related Epidermolysis Bullosa with Pyloric Atresia; PLEC1-Related Epidermolysis Bullosa with Pyloric Atresia. Identifiers: Orphanet 158684, MedGen C2677349, MONDO:0012807, OMIM 612138.
Epidermolysis bullosa simplex with nail dystrophy (EBS5D). Identifiers: MedGen C4225309, MONDO:0014661, OMIM 616487.

gnomAD v4.1: 3 of 1,607,358 alleles (0.00019%); highest among the groups gnomAD compares: South Asian, 0.0022%; no homozygotes.

Submissions (2):

Labcorp Genetics (formerly Invitae), Labcorp
Classification: Likely benign for Autosomal recessive limb-girdle muscular dystrophy type 2Q; Epidermolysis bullosa simplex, Ogna type; Epidermolysis bullosa simplex with nail dystrophy; Epidermolysis bullosa simplex 5C, with pyloric atresia; Epidermolysis bullosa simplex 5B, with muscular dystrophy. Last evaluated: 2025-12-20. Review status: criteria provided, single submitter. Criteria: Invitae Variant Classification Sherloc (09022015). Collection method: clinical testing. Allele origin: germline.

Athena Diagnostics
Classification: Uncertain significance. Last evaluated: 2023-07-14. Review status: criteria provided, single submitter. Criteria: Athena Diagnostics Criteria. Collection method: clinical testing. Allele origin: unknown.
Comment: Available data are insufficient to determine the clinical significance of the variant at this time. The frequency of this variant in the general population is uninformative in assessment of its pathogenicity. Computational tools yielded predictions that this variant is unlikely to have an effect on normal RNA splicing.

NM_201384.3(PLEC):c.1738-9C>T

Gene: PLEC (plectin; minus strand). Cytogenetic location: 8q24.3.
Variant type: single nucleotide variant.
Coding change: c.1738-9C>T on transcript NM_201384.3 (MANE Select); 9 bases into the intron before coding-DNA position 1738, C replaced by T.
Molecular consequence: intron variant.
Genome position (GRCh38, 1-based): chr8:143,932,721, G>A on the plus strand (C>T on the coding strand, the complement: PLEC is on the minus strand). VCF-style: chr8-143932721-G-A. GRCh37 (hg19) VCF-style: chr8-145006889-G-A.
Other names: c.1819-9C>T (NM_001410941.1, NM_000445.5); c.1696-9C>T (NM_201378.4); c.1672-9C>T (NM_201379.3); c.2149-9C>T (NM_201380.4); c.1642-9C>T (NM_201381.3); c.1738-9C>T (NM_201382.4); c.1750-9C>T (NM_201383.3).
Identifiers: ClinVar variation 2684301 (VCV002684301.4), dbSNP rs1554717956, ClinGen allele CA586158568.
Genomic context (GRCh38, chr8:143,932,721, plus strand): 5'-GCCGACCCAGGCAGTCACGGTAGGCACCCCGGGTGGCGGGGGAGAGCTGGCCCTGCAACA[G>A]ATGAGACGGTGAGGTCTGCAGTGGCTGGGCCCGGCCCACCCCCGCACTGCCCATCGCTCA-3'